The following is an entry in ClinVar:

ClinVar aggregate classification (germline): Likely pathogenic. Review status: criteria provided, multiple submitters, no conflicts (2 of 4 stars). 2 submissions from 2 submitters: Likely pathogenic (2). Last evaluated 2020-11-24.

Conditions:
Autosomal dominant familial hematuria-retinal arteriolar tortuosity-contractures syndrome. Also called: Angiopathy, hereditary, with nephropathy, aneurysms, and muscle cramps; Hereditary Angiopathy with Nephropathy, Aneurysms, and Muscle Cramps (HANAC) Syndrome. Identifiers: Orphanet 73229, MedGen C2673195, MONDO:0012726, OMIM 611773.
Microangiopathy and leukoencephalopathy, pontine, autosomal dominant. Also called: DEMENTIA, HEREDITARY MULTI-INFARCT, SWEDISH TYPE; Pontine autosomal dominant microangiopathy with leukoencephalopathy. Identifiers: Orphanet 477749, MedGen C5231411, MONDO:0032814, OMIM 618564.
Hemorrhage, intracerebral, susceptibility to (ICH). Also called: Stroke, hemorrhagic, susceptibility to. Identifiers: MedGen C3281105, MONDO:0100533, OMIM 614519.
Retinal arterial tortuosity. Also called: Retinal arteries, tortuosity of; RETINAL HEMORRHAGE WITH VASCULAR TORTUOSITY. Identifiers: Orphanet 75326, MedGen C0423401, MONDO:0008373, OMIM 180000, HP:0000631.
Brain small vessel disease 1 with or without ocular anomalies (BSVD1). Also called: BRAIN SMALL VESSEL DISEASE WITH HEMORRHAGE; GOULD SYNDROME 1; PORENCEPHALY, TYPE 1, AUTOSOMAL DOMINANT; Brain small vessel disease with or without ocular anomalies. Identifiers: Orphanet 2940, Orphanet 36383, Orphanet 99810, MedGen C4755307, MONDO:0008289, OMIM 175780.

Submissions (2):

Revvity Omics, Revvity
Classification: Likely pathogenic. Last evaluated: 2020-11-24. Review status: criteria provided, single submitter. Criteria: ACMG Guidelines, 2015. Collection method: clinical testing. Allele origin: germline.

Juno Genomics, Hangzhou Juno Genomics, Inc
Classification: Likely pathogenic for Retinal arterial tortuosity; Hemorrhage, intracerebral, susceptibility to; Autosomal dominant familial hematuria-retinal arteriolar tortuosity-contractures syndrome; Brain small vessel disease 1 with or without ocular anomalies; Microangiopathy and leukoencephalopathy, pontine, autosomal dominant. Review status: criteria provided, single submitter. Criteria: ACMG Guidelines, 2015. Collection method: clinical testing. Allele origin: germline. Affected: yes.
Comment: Absent from controls (or at extremely low frequency if recessive) in Genome Aggregation Database.;Multiple lines of computational evidence support a deleterious effect on the gene or gene product.;Missense variant in a gene that has a low rate of benign missense variation.;De novo (both maternity and paternity confirmed) in a patient with the disease and no family history.;Patient's phenotype or family history is highly specific for a disease with a single genetic etiology.;Located in a mutational hot spot and/or critical and well-established functional domain without benign variation.

NM_001845.6(COL4A1):c.2878G>A (p.Gly960Arg)

Gene: COL4A1 (collagen type IV alpha 1 chain; minus strand). Cytogenetic location: 13q34.
Variant type: single nucleotide variant.
Coding change: c.2878G>A on transcript NM_001845.6 (MANE Select); coding-DNA position 2878, G replaced by A.
Protein change: p.Gly960Arg; replaces glycine 960 with arginine.
Molecular consequence: missense variant.
Genome position (GRCh38, 1-based): chr13:110,176,716, C>T on the plus strand (G>A on the coding strand, the complement: COL4A1 is on the minus strand). VCF-style: chr13-110176716-C-T. GRCh37 (hg19) VCF-style: chr13-110829063-C-T.
Other names: short protein forms G960R.
Identifiers: ClinVar variation 1324113 (VCV001324113.5), dbSNP rs2139162773, ClinGen allele CA388666473.